The following is an entry in ClinVar:

ClinVar aggregate classification (germline): Likely benign. Review status: criteria provided, multiple submitters, no conflicts (2 of 4 stars). 2 submissions from 2 submitters: Likely benign (2). Last evaluated 2026-02-01.

Allele frequency attached by ClinVar (database versions not stated): ExAC 0.00002; gnomAD exomes 0.00002; TOPMed 0.00002.
gnomAD v4.1: 26 of 1,613,442 alleles (0.0016%); highest among the groups gnomAD compares: Non-Finnish European, 0.0019%; no homozygotes.

Submissions (2):

Labcorp Genetics (formerly Invitae), Labcorp
Classification: Likely benign. Last evaluated: 2026-02-01. Review status: criteria provided, single submitter. Criteria: Invitae Variant Classification Sherloc (09022015). Collection method: clinical testing. Allele origin: germline.

CeGaT Center for Human Genetics Tuebingen
Classification: Likely benign. Last evaluated: 2025-11-01. Review status: criteria provided, single submitter. Criteria: CeGaT Center For Human Genetics Tuebingen Variant Classification Criteria Version 2. Collection method: clinical testing. Allele origin: germline. Affected: yes. Observed: 1 variant allele.
Comment: CDK13: BP4, BP7

NM_003718.5(CDK13):c.3786C>T (p.Pro1262=)

Gene: CDK13 (cyclin dependent kinase 13; plus strand). Cytogenetic location: 7p14.1.
Variant type: single nucleotide variant.
Coding change: c.3786C>T on transcript NM_003718.5 (MANE Select); coding-DNA position 3786, C replaced by T.
Protein change: p.Pro1262=; no amino-acid change (proline 1262 retained).
Molecular consequence: synonymous variant.
Genome position (GRCh38, 1-based): chr7:40,094,227, C>T. VCF-style: chr7-40094227-C-T. GRCh37 (hg19) VCF-style: chr7-40133826-C-T.
Other names: c.3606C>T, p.Pro1202= (NM_031267.4).
Identifiers: ClinVar variation 2415428 (VCV002415428.13), dbSNP rs770891750, ClinGen allele CA4229012.
Genomic context (GRCh38, chr7:40,094,227, plus strand): 5'-CTTGGAGCTAACGCCAGAACCAGACCGGCCTCGAATTCTGCCTCCTGACCAACGACCTCC[C>T]GAGCCTCCTGAACCACCACCAGTCACTGAGGAAGATCTAGATTATCGGACAGAAAACCAG-3'
Protein context (NP_003709.3, residues 1252-1272): PRILPPDQRP[Pro1262=]EPPEPPPVTE